The following is an entry in ClinVar:

ClinVar aggregate classification (germline): Uncertain significance (1 of 4 stars; one submission).

Conditions:
Hereditary breast ovarian cancer syndrome. Also called: Hereditary breast and ovarian cancer syndrome; Hereditary breast and ovarian cancer syndrome (HBOC); BRCA1- and BRCA2-Associated Hereditary Breast and Ovarian Cancer; Hereditary breast and ovarian cancer; Breast and ovarian cancer; Hereditary breast and/or ovarian cancer syndrome. Identifiers: Orphanet 145, MedGen C0677776, MeSH D061325, MONDO:0003582. Disease mechanism: loss of function.

Submission:

Labcorp Genetics (formerly Invitae), Labcorp
Classification: Uncertain significance for Hereditary breast ovarian cancer syndrome. Last evaluated: 2024-05-15. Review status: criteria provided, single submitter. Criteria: Invitae Variant Classification Sherloc (09022015). Collection method: clinical testing. Allele origin: germline.
Comment: This sequence change replaces aspartic acid, which is acidic and polar, with glycine, which is neutral and non-polar, at codon 1383 of the BRCA2 protein (p.Asp1383Gly). This variant is not present in population databases (gnomAD no frequency). This variant has not been reported in the literature in individuals affected with BRCA2-related conditions. Advanced modeling of protein sequence and biophysical properties (such as structural, functional, and spatial information, amino acid conservation, physicochemical variation, residue mobility, and thermodynamic stability) performed at Invitae indicates that this missense variant is not expected to disrupt BRCA2 protein function with a negative predictive value of 95%. In summary, the available evidence is currently insufficient to determine the role of this variant in disease. Therefore, it has been classified as a Variant of Uncertain Significance.

NM_000059.4(BRCA2):c.4148A>G (p.Asp1383Gly)

Gene: BRCA2 (BRCA2 DNA repair associated; plus strand). Cytogenetic location: 13q13.1.
Variant type: single nucleotide variant.
Coding change: c.4148A>G on transcript NM_000059.4 (MANE Select); coding-DNA position 4148, A replaced by G.
Protein change: p.Asp1383Gly; replaces aspartic acid 1383 with glycine.
Molecular consequence: missense variant. On other transcripts: non-coding transcript variant (1), intron variant (2).
Genome position (GRCh38, 1-based): chr13:32,338,503, A>G. VCF-style: chr13-32338503-A-G. GRCh37 (hg19) VCF-style: chr13-32912640-A-G.
Other names: c.4148A>G, p.Asp1383Gly (NM_001406719.1, NM_001406720.1, NM_001432077.1); c.1909+5116A>G (NM_001406721.1); c.425-6055A>G (NM_001406722.1); short protein forms D1383G.
Identifiers: ClinVar variation 3636470 (VCV003636470.2).